The following is an entry in ClinVar:

NM_001278512.2(AP3B2):c.109A>G (p.Lys37Glu)

Genes: AP3B2 (adaptor related protein complex 3 subunit beta 2; minus strand), LOC130057772 (ATAC-STARR-seq lymphoblastoid silent region 6752; plus strand). Cytogenetic location: 15q25.2.
Variant type: single nucleotide variant.
Coding change: c.109A>G on transcript NM_001278512.2 (MANE Select); coding-DNA position 109, A replaced by G.
Protein change: p.Lys37Glu; replaces lysine 37 with glutamic acid.
Molecular consequence: missense variant.
Genome position (GRCh38, 1-based): chr15:82,709,598, T>C on the plus strand (A>G on the coding strand, the complement: AP3B2 is on the minus strand). VCF-style: chr15-82709598-T-C. GRCh37 (hg19) VCF-style: chr15-83378350-T-C.
Other names: c.109A>G, p.Lys37Glu (NM_001278511.2, NM_001348440.2, NM_004644.5); c.109A>G (NM_004644.3); short protein forms K37E.
Identifiers: ClinVar variation 1346225 (VCV001346225.9), dbSNP rs1404590422, ClinGen allele CA393307407.

ClinVar aggregate classification (germline): Uncertain significance. Review status: criteria provided, multiple submitters, no conflicts (2 of 4 stars). 2 submissions from 2 submitters: Uncertain significance (2). Last evaluated 2024-11-20.

Conditions:
Inborn genetic diseases. Identifiers: MedGen C0950123, MeSH D030342.

Allele frequency attached by ClinVar (database versions not stated): gnomAD 0.00001; TOPMed 0.00001.

Submissions (2):

Ambry Genetics
Classification: Uncertain significance for Inborn genetic diseases. Last evaluated: 2024-11-20. Review status: criteria provided, single submitter. Criteria: Ambry Variant Classification Scheme 2023. Collection method: clinical testing. Allele origin: germline.

Labcorp Genetics (formerly Invitae), Labcorp
Classification: Uncertain significance. Last evaluated: 2022-07-05. Review status: criteria provided, single submitter. Criteria: Invitae Variant Classification Sherloc (09022015). Collection method: clinical testing. Allele origin: germline.
Comment: In summary, the available evidence is currently insufficient to determine the role of this variant in disease. Therefore, it has been classified as a Variant of Uncertain Significance. Algorithms developed to predict the effect of missense changes on protein structure and function (SIFT, PolyPhen-2, Align-GVGD) all suggest that this variant is likely to be tolerated. ClinVar contains an entry for this variant (Variation ID: 1346225). This variant has not been reported in the literature in individuals affected with AP3B2-related conditions. This variant is not present in population databases (gnomAD no frequency). This sequence change replaces lysine, which is basic and polar, with glutamic acid, which is acidic and polar, at codon 37 of the AP3B2 protein (p.Lys37Glu).